The following is an entry in ClinVar:

NM_000155.4(GALT):c.289_291del (p.Asn97del)

Gene: GALT (galactose-1-phosphate uridylyltransferase; plus strand). Cytogenetic location: 9p13.3.
Variant type: Deletion.
Coding change: c.289_291del on transcript NM_000155.4 (MANE Select); coding-DNA positions 289 to 291, 3 bases deleted (AAC; older notation c.289_291delAAC).
Protein change: p.Asn97del; deletes asparagine 97.
Molecular consequence: inframe deletion. On other transcripts: intron variant (1).
Genome position (GRCh38, 1-based): chr9:34,647,528-34,647,530, AAC deleted; deleting any 3 consecutive bases within chr9:34,647,526-34,647,530 gives the same sequence; the c. name uses the placement nearest the transcript's 3' end. VCF-style (leftmost placement, unchanged base first): chr9-34647525-GACA-G. GRCh37 (hg19) VCF-style: chr9-34647522-GACA-G.
Other names: c.289_291delAAC (NM_000155.3); c.50+270_50+272del (NM_001258332.2); short protein forms N97del.
Identifiers: ClinVar variation 92515 (VCV000092515.18), dbSNP rs398123179, ClinGen allele CA266758.
Genomic context (GRCh38, chr9:34,647,525, plus strand): 5'-GTGCTTCTAGCCTATCCTTGTCGGTAGGTGAATCCCCAGTACGATAGCACCTTCCTGTTT[GACA>G]ACGACTTCCCAGCTCTGCAGCCTGATGCCCCCAGTCCAGGTAACCTGGCTCCAACTGCTG-3'

ClinVar aggregate classification (germline): Pathogenic/Likely pathogenic. Review status: criteria provided, multiple submitters, no conflicts (2 of 4 stars). 5 submissions from 5 submitters: Pathogenic (1); Likely pathogenic (3). 1 of the submissions does not count toward it. Last evaluated 2026-01-19.

Conditions:
GALT-related disorder. Also called: GALT-related condition.
Galactosemia. Also called: Galactose intolerance. Identifiers: Orphanet 352, MedGen C0016952, MONDO:0018116, HP:0004919. Disease mechanism: loss of function.
Deficiency of UDPglucose-hexose-1-phosphate uridylyltransferase. Also called: Galactosemia, classic; GALACTOSEMIA I; GALT deficiency; GALACTOSE-1-PHOSPHATE URIDYLYLTRANSFERASE DEFICIENCY; Transferase Deficiency Galactosemia. Identifiers: Orphanet 352, Orphanet 79239, MedGen C0268151, MONDO:0009258, OMIM 230400.

Submissions (5):

Natera, Inc.
Classification: Likely pathogenic for Galactosemia. Last evaluated: 2026-01-19. Review status: criteria provided, single submitter. Criteria: Natera Variant Classification Schema (03/2026). Collection method: clinical testing. Allele origin: germline.
Comment: The c.289_291delAAC variant in GALT is an in-frame deletion predicted to remove asparagine at amino acid 97 while preserving the reading frame. This variant is rare in the general population with a frequency below the threshold expected for the associated phenotype(s). This variant has been observed in one or more individuals affected with the associated recessive disease, as either homozygous or compound heterozygous with a second variant (PMID: 22944367, 25268296, 38761847). This variant results in a change to the protein length while preserving reading frame, which may disrupt normal protein structure or function. Computational prediction algorithms indicate this variant is likely to affect gene or protein function. Given the available evidence, this variant is classified as Likely Pathogenic.

Labcorp Genetics (formerly Invitae), Labcorp
Classification: Pathogenic for Deficiency of UDPglucose-hexose-1-phosphate uridylyltransferase. Last evaluated: 2026-01-09. Review status: criteria provided, single submitter. Criteria: Invitae Variant Classification Sherloc (09022015). Collection method: clinical testing. Allele origin: germline.
Comment: This variant, c.289_291del, results in the deletion of 1 amino acid(s) of the GALT protein (p.Asn97del), but otherwise preserves the integrity of the reading frame. This variant is present in population databases (rs770349232, gnomAD 0.0009%). This variant has been observed in individuals with galactosemia (PMID: 22944367, 25268296, 27176039; internal data). ClinVar contains an entry for this variant (Variation ID: 92515). Algorithms developed to predict the effect of sequence changes on RNA splicing suggest that this variant may disrupt the consensus splice site. This variant disrupts the p.Asn97 amino acid residue in GALT. Other variant(s) that disrupt this residue have been determined to be pathogenic (PMID: 7550229, 15633893, 22944367). This suggests that this residue is clinically significant, and that variants that disrupt this residue are likely to be disease-causing. For these reasons, this variant has been classified as Pathogenic.

Fulgent Genetics
Classification: Likely pathogenic for Deficiency of UDPglucose-hexose-1-phosphate uridylyltransferase. Last evaluated: 2024-06-03. Review status: criteria provided, single submitter. Criteria: ACMG Guidelines, 2015. Collection method: clinical testing. Allele origin: germline.

Eurofins Ntd Llc (ga)
Classification: Likely pathogenic. Last evaluated: 2013-01-09. Review status: criteria provided, single submitter. Criteria: EGL Classification Definitions 2015. Collection method: clinical testing. Allele origin: germline. Observed: 3 variant alleles, 3 heterozygotes.

PreventionGenetics, part of Exact Sciences
Classification: Pathogenic for GALT-related condition. Last evaluated: 2023-11-01. Review status: no assertion criteria provided. Collection method: clinical testing. Allele origin: germline. Not counted in ClinVar's aggregate classification.
Comment: The GALT c.289_291delAAC variant is predicted to result in an in-frame deletion (p.Asn97del). This variant has been reported in the homozygous state or heterozygous state with a second pathogenic GALT variant in individuals with galactosemia (Boutron et al. 2012. PubMed ID: 22944367; Schadewaldt et al. 2014. PubMed ID: 25268296; Garcia et al. 2016. PubMed ID: 27176039). The p.Asn97 amino acid is involved in Hydrogen bonding with UDP-alpha-D-glucose, and disruption of this amino acid is predicted to impact both the enzyme active site and intersubunit interactions (Boutron et al. 2012. PubMed ID: 22944367). Several substitutions of the p.Asn97 amino acid (p.Asn97Asp, p.Asn97Ser, p.Asn97Ile) have been reported in patients with galactosemia (Boutron et al. 2012. PubMed ID: 22944367; Shin. 2004. PubMed ID: 15633893; ClinVar ID #811178). This variant has not been reported in a large population database, indicating this variant is rare. In summary, this variant is interpreted as pathogenic.

Literature cited by the submitters: PubMed 22944367 (cited by Natera, Inc. and Labcorp Genetics (formerly Invitae), Labcorp); PubMed 25268296 (cited by Natera, Inc. and Labcorp Genetics (formerly Invitae), Labcorp); PubMed 38761847 (cited by Natera, Inc.); PubMed 27176039 (cited by Labcorp Genetics (formerly Invitae), Labcorp); PubMed 7550229 (cited by Labcorp Genetics (formerly Invitae), Labcorp); PubMed 15633893 (cited by Labcorp Genetics (formerly Invitae), Labcorp).